The following is an entry in ClinVar:

ClinVar aggregate classification (germline): Uncertain significance (1 of 4 stars; one submission).

Conditions:
Catecholaminergic polymorphic ventricular tachycardia 1. Also called: VENTRICULAR TACHYCARDIA, STRESS-INDUCED POLYMORPHIC 1; RYR2-Related Catecholaminergic Polymorphic Ventricular Tachycardia; VENTRICULAR TACHYCARDIA, CATECHOLAMINERGIC POLYMORPHIC, 1, WITH OR WITHOUT ATRIAL DYSFUNCTION AND/OR DILATED CARDIOMYOPATHY. Identifiers: Orphanet 3286, MedGen C1631597, MONDO:0011484, OMIM 604772.

Submission:

Labcorp Genetics (formerly Invitae), Labcorp
Classification: Uncertain significance for Catecholaminergic polymorphic ventricular tachycardia 1. Last evaluated: 2022-02-18. Review status: criteria provided, single submitter. Criteria: Invitae Variant Classification Sherloc (09022015). Collection method: clinical testing. Allele origin: germline.
Comment: In summary, the available evidence is currently insufficient to determine the role of this variant in disease. Therefore, it has been classified as a Variant of Uncertain Significance. Algorithms developed to predict the effect of sequence changes on RNA splicing suggest that this variant may disrupt the consensus splice site. This variant has not been reported in the literature in individuals affected with RYR2-related conditions. This variant is not present in population databases (gnomAD no frequency). This sequence change affects a donor splice site in intron 55 of the RYR2 gene. It is expected to disrupt RNA splicing. Variants that disrupt the donor or acceptor splice site typically lead to a loss of protein function (PMID: 16199547), however the current clinical and genetic evidence is not sufficient to establish whether loss-of-function variants in RYR2 cause disease.

Literature cited by the submitters: PubMed 16199547.

NM_001035.3(RYR2):c.8298+1G>T

Gene: RYR2 (ryanodine receptor 2; plus strand). Cytogenetic location: 1q43.
Variant type: single nucleotide variant.
Coding change: c.8298+1G>T on transcript NM_001035.3 (MANE Select); the canonical splice donor site of the intron after coding-DNA position 8298, G replaced by T.
Molecular consequence: splice donor variant.
Genome position (GRCh38, 1-based): chr1:237,660,075, G>T. VCF-style: chr1-237660075-G-T. GRCh37 (hg19) VCF-style: chr1-237823375-G-T.
Identifiers: ClinVar variation 2098795 (VCV002098795.4), dbSNP rs1219691571, ClinGen allele CA345401508.
Genomic context (GRCh38, chr1:237,660,075, plus strand): 5'-TATTCAGACTCTTCTAAGGTTCAGCCATTAATGAAGCCATATAAGCTATTGTCTGAAAAG[G>T]TAAGGATTTTTTGTTTGTTTTAGTTTGTAAAGTTTTTATTCTTTTGAAAAATGTGTTTTT-3'